The following is an entry in ClinVar:

NM_000166.6(GJB1):c.70T>G (p.Trp24Gly)

Gene: GJB1 (gap junction protein beta 1; plus strand). Cytogenetic location: Xq13.1.
Variant type: single nucleotide variant.
Coding change: c.70T>G on transcript NM_000166.6 (MANE Select); coding-DNA position 70, T replaced by G.
Protein change: p.Trp24Gly; replaces tryptophan 24 with glycine.
Molecular consequence: missense variant.
Genome position (GRCh38, 1-based): chrX:71,223,777, T>G. VCF-style: chrX-71223777-T-G. GRCh37 (hg19) VCF-style: chrX-70443627-T-G.
Other names: c.70T>G, p.Trp24Gly (NM_001097642.3, NM_001440770.1); short protein forms W24G.
Identifiers: ClinVar variation 4876759 (VCV004876759.1).
Genomic context (GRCh38, chrX:71,223,777, plus strand): 5'-ACAGGTTTGTACACCTTGCTCAGTGGCGTGAACCGGCATTCTACTGCCATTGGCCGAGTA[T>G]GGCTCTCGGTCATCTTCATCTTCAGAATCATGGTGCTGGTGGTGGCTGCAGAGAGTGTGT-3'
Protein context (NP_000157.1, residues 14-34): NRHSTAIGRV[Trp24Gly]LSVIFIFRIM

ClinVar aggregate classification (germline): Pathogenic (1 of 4 stars; one submission).

Conditions:
Charcot-Marie-Tooth disease X-linked dominant 1. Also called: GJB1 Disorders: Charcot-Marie-Tooth Neuropathy (CMT1X) and Central Nervous System Phenotypes; CHARCOT-MARIE-TOOTH NEUROPATHY, X-LINKED, 1; CHARCOT-MARIE-TOOTH PERONEAL MUSCULAR ATROPHY, X-LINKED; HEREDITARY MOTOR AND SENSORY NEUROPATHY, X-LINKED; HMSN, X-LINKED; Charcot-Marie-Tooth Neuropathy X Type 1. Identifiers: Orphanet 101075, MedGen C0393808, MONDO:0010549, OMIM 302800.

Submission:

Human Genetics Bochum, Ruhr University Bochum
Classification: Pathogenic for Charcot-Marie-Tooth disease X-linked dominant 1. Last evaluated: 2026-01-05. Review status: criteria provided, single submitter. Criteria: ACMG Guidelines, 2015. Collection method: clinical testing. Allele origin: germline. Affected: yes.
Comment: ACMG criteria used to clasify this variant: PP3_STR, PM1, PM5, PM2_SUP, PP2_SUP